The following is an entry in ClinVar:

NM_053004.3(GNB1L):c.933G>A (p.Ala311=)

Gene: GNB1L (G protein subunit beta 1 like; minus strand). Cytogenetic location: 22q11.21.
Variant type: single nucleotide variant.
Coding change: c.933G>A on transcript NM_053004.3 (MANE Select); coding-DNA position 933, G replaced by A.
Protein change: p.Ala311=; no amino-acid change (alanine 311 retained).
Molecular consequence: synonymous variant.
Genome position (GRCh38, 1-based): chr22:19,788,760, C>T on the plus strand (G>A on the coding strand, the complement: GNB1L is on the minus strand). VCF-style: chr22-19788760-C-T. GRCh37 (hg19) VCF-style: chr22-19776283-C-T.
Identifiers: ClinVar variation 3050952 (VCV003050952.2), dbSNP rs772935443, ClinGen allele CA10102951.

ClinVar aggregate classification (germline): Likely benign (0 of 4 stars; one submission).

Conditions:
GNB1L-related disorder. Also called: GNB1L-related condition.

Allele frequency attached by ClinVar (database versions not stated): TOPMed below 0.00001; ExAC 0.00001; gnomAD 0.00001; gnomAD exomes 0.00002.
gnomAD v4.1: 27 of 1,611,716 alleles (0.0017%); highest among the groups gnomAD compares: Admixed American, 0.0033%; no homozygotes.

Submission:

PreventionGenetics, part of Exact Sciences
Classification: Likely benign for GNB1L-related condition. Last evaluated: 2023-10-11. Review status: no assertion criteria provided. Collection method: clinical testing. Allele origin: germline.
Comment: This variant is classified as likely benign based on ACMG/AMP sequence variant interpretation guidelines (Richards et al. 2015 PMID: 25741868, with internal and published modifications).